The following is an entry in ClinVar:

NC_000016.9:g.(?_23646183)_(23652678_?)dup

Gene: PALB2 (partner and localizer of BRCA2; minus strand). Cytogenetic location: 16p12.2.
Variant type: Duplication.
Identifiers: ClinVar variation 417518 (VCV000417518.2).

ClinVar aggregate classification (germline): Uncertain significance (1 of 4 stars; one submission).

Conditions:
Familial cancer of breast. Also called: Hereditary breast cancer; BREAST CANCER, FAMILIAL; hereditary breast carcinoma. Identifiers: Orphanet 227535, MedGen C0346153, MONDO:0016419, OMIM 114480. Disease mechanism: loss of function.

Submission:

Labcorp Genetics (formerly Invitae), Labcorp
Classification: Uncertain significance for Familial cancer of breast. Last evaluated: 2016-11-10. Review status: criteria provided, single submitter. Criteria: Invitae Variant Classification Sherloc (09022015). Collection method: clinical testing. Allele origin: germline.
Comment: This variant is a gross duplication of the genomic region encompassing exons 1-4 of the PALB2 gene. The 5' end of this event is unknown as it extends beyond the assayed region for this gene and therefore may encompass additional genes. The 3' boundary is likely confined to intron 4 of the PALB2 gene. This variant has not been reported in the literature in individuals with a PALB2-related disease. Experimental studies and prediction algorithms are not available for this variant, and the functional significance of this duplication is currently unknown. In summary, the exact genomic location of this variant is unknown and the impact of this duplication on PALB2 protein function has not been established. Therefore, it has been classified as a Variant of Uncertain Significance.